The following is an entry in ClinVar:

NM_001277313.2(FMN1):c.2627C>G (p.Pro876Arg)

Gene: FMN1 (formin 1; minus strand). Cytogenetic location: 15q13.3.
Variant type: single nucleotide variant.
Coding change: c.2627C>G on transcript NM_001277313.2 (MANE Select); coding-DNA position 2627, C replaced by G.
Protein change: p.Pro876Arg; replaces proline 876 with arginine.
Molecular consequence: missense variant.
Genome position (GRCh38, 1-based): chr15:32,969,074, G>C on the plus strand (C>G on the coding strand, the complement: FMN1 is on the minus strand). VCF-style: chr15-32969074-G-C. GRCh37 (hg19) VCF-style: chr15-33261275-G-C.
Other names: c.1958C>G, p.Pro653Arg (NM_001103184.4); short protein forms P653R, P876R.
Identifiers: ClinVar variation 3710752 (VCV003710752.2).

ClinVar aggregate classification (germline): Uncertain significance (1 of 4 stars; one submission).

gnomAD v4.1: 21 of 1,591,886 alleles (0.0013%); highest among the groups gnomAD compares: Non-Finnish European, 0.0018%; no homozygotes.

Submission:

Labcorp Genetics (formerly Invitae), Labcorp
Classification: Uncertain significance. Last evaluated: 2025-02-19. Review status: criteria provided, single submitter. Criteria: Invitae Variant Classification Sherloc (09022015). Collection method: clinical testing. Allele origin: germline.
Comment: This sequence change replaces proline, which is neutral and non-polar, with arginine, which is basic and polar, at codon 653 of the FMN1 protein (p.Pro653Arg). This variant is present in population databases (rs766927259, gnomAD 0.007%). This variant has not been reported in the literature in individuals affected with FMN1-related conditions. Experimental studies and prediction algorithms are not available or were not evaluated, and the functional significance of this variant is currently unknown. In summary, the available evidence is currently insufficient to determine the role of this variant in disease. Therefore, it has been classified as a Variant of Uncertain Significance.